The following is an entry in ClinVar:

GRCh37/hg19 3p26.1(chr3:4333903-4652945)x1

Genes: ITPR1 (inositol 1,4,5-trisphosphate receptor type 1; plus strand), SETMAR (SET domain and mariner transposase fusion gene; plus strand), SUMF1 (sulfatase modifying factor 1; minus strand). Cytogenetic location: 3p26.1.
Variant type: copy number loss.
Change: copy number 1 (one copy instead of two) of chr3:4,333,903-4,652,945 (319.0 kb, GRCh37 coordinates, 1-based), cytogenetic band 3p26.1.
Identifiers: ClinVar variation 1809202 (VCV001809202.1).

ClinVar aggregate classification (germline): Pathogenic (1 of 4 stars; one submission).

Submission:

Quest Diagnostics Nichols Institute San Juan Capistrano
Classification: Pathogenic. Last evaluated: 2021-09-03. Review status: criteria provided, single submitter. Criteria: ACMG/ClinGen CNV Guidelines, 2019. Collection method: clinical testing. Allele origin: unknown.
Comment: The copy number loss of 3p26.1 involves three protein coding genes including SUMF1 (OMIM 607939) and a few exons of a 5-prime portion of ITPR1 (OMIM 147265). Heterozygous pathogenic sequence variants and entire/partial deletions of ITPR1 are associated with autosomald ominant spinocerebellar ataxia 15 (SCA15; OMIM 606658), which is slowly progressive and adult onset. Many of ITPR1 deletions associated with SCA15 are suggested to be loss-of-function variants (Leemput 2007). Heterozygous pathogenic sequence variants of this gene are also reported in individuals with autosomal dominant conditions of congenital nonprogressive spinocerebellar ataxia 29 (SCA29; OMIM 117360) and Gillespie syndrome (OMIM 206700), which is usually diagnosed in the first year of life by the presence of fixed dilated pupils in a hypotonic infant and can also be caused by biallelic variants of ITPR1. Gerber et al. identified a heterozygous de novo in-frame 3-bp deletion of ITPR1 in a patient with Gillespie syndrome (Gerber 2016). The authors suggest a dominant-negative effect of this in-frame variant. Also, a gain-of-function disease mechanism of a familial missense variant of ITPR1 was reported in a family with SCA29 (Casey 2017). Moreover, biallelic pathogenic sequence variants of SUMF1 are associated with autosomal recessive multiple sulfatase deficiency (OMIM 272200). In addition, deletions of this locus including full/partial ITPR1 with or without SUMF1 arer eported in patients with SCA15 (Synofzik 2011; Marelli 2011; Ngo 2020). A larger 1.4 Mb overlapping deletion (not including ITPR1) was also reported in a patient with intellectual disability (Quintela 2017). There are no similar copy number losses of this region in the general populations of the Database of Genomic Variants. Thus, based on literature review and gene content, this copy number loss is interpreted as pathogenic.